The following is an entry in ClinVar:

ClinVar aggregate classification (germline): Uncertain significance (1 of 4 stars; one submission).

Submission:

GeneDx
Classification: Uncertain significance. Last evaluated: 2024-11-14. Review status: criteria provided, single submitter. Criteria: GeneDx Variant Classification Process June 2021. Collection method: clinical testing. Allele origin: germline. Affected: yes.
Comment: Not observed at significant frequency in large population cohorts (gnomAD); In silico analysis supports that this missense variant has a deleterious effect on protein structure/function; Has not been previously published as pathogenic or benign to our knowledge

NM_207037.2(TCF12):c.1799A>C (p.Lys600Thr)

Gene: TCF12 (transcription factor 12; plus strand). Cytogenetic location: 15q21.3.
Variant type: single nucleotide variant.
Coding change: c.1799A>C on transcript NM_207037.2 (MANE Select); coding-DNA position 1799, A replaced by C.
Protein change: p.Lys600Thr; replaces lysine 600 with threonine.
Molecular consequence: missense variant.
Genome position (GRCh38, 1-based): chr15:57,273,083, A>C. VCF-style: chr15-57273083-A-C. GRCh37 (hg19) VCF-style: chr15-57565281-A-C.
Other names: c.1289A>C, p.Lys430Thr (NM_001306219.3); c.1019A>C, p.Lys340Thr (NM_001306220.3); c.1799A>C, p.Lys600Thr (NM_001322151.2, NM_001322159.3, NM_001322162.2 and 1 more transcripts); c.1796A>C, p.Lys599Thr (NM_001322152.2, NM_001322161.2); c.1142A>C, p.Lys381Thr (NM_001322154.2); c.1625A>C, p.Lys542Thr (NM_001322156.2); c.1727A>C, p.Lys576Thr (NM_001322157.3, NM_001322165.2, NM_003205.4 and 1 more transcripts); c.1553A>C, p.Lys518Thr (NM_001322158.2); and 2 more; short protein forms K340T, K381T, K406T, K430T, K518T, K542T, K576T, K588T.
Identifiers: ClinVar variation 3899525 (VCV003899525.1).
Genomic context (GRCh38, chr15:57,273,083, plus strand): 5'-TTTCTAGCAGTACTAATGAAGATGAGGATTTGAACCCTGAACAGAAGATAGAAAGGGAGA[A>C]GGAGAGGCGGATGGCTAACAATGCCAGAGAACGCTTACGCGTGCGGGATATTAATGAAGC-3'
Protein context (NP_996920.1, residues 590-610): LNPEQKIERE[Lys600Thr]ERRMANNARE